The following is an entry in ClinVar:

NM_138691.3(TMC1):c.535+5G>A

Gene: TMC1 (transmembrane channel like 1; plus strand). Cytogenetic location: 9q21.13.
Variant type: single nucleotide variant.
Coding change: c.535+5G>A on transcript NM_138691.3 (MANE Select); 5 bases into the intron after coding-DNA position 535, G replaced by A.
Molecular consequence: intron variant.
Genome position (GRCh38, 1-based): chr9:72,742,530, G>A. VCF-style: chr9-72742530-G-A. GRCh37 (hg19) VCF-style: chr9-75357446-G-A.
Identifiers: ClinVar variation 3601910 (VCV003601910.1).

ClinVar aggregate classification (germline): Likely pathogenic (1 of 4 stars; one submission).

Conditions:
Autosomal recessive nonsyndromic hearing loss 7. Also called: DEAFNESS, AUTOSOMAL RECESSIVE 11. Identifiers: Orphanet 90636, MedGen C1832978, MONDO:0010967, OMIM 600974.

Submission:

Institute of Rare Diseases, West China Hospital, Sichuan University
Classification: Likely pathogenic for Autosomal recessive nonsyndromic hearing loss 7. Last evaluated: 2025-01-09. Review status: criteria provided, single submitter. Criteria: ClinGen HL ACMG Specifications v1. Collection method: research. Allele origin: germline. Affected: yes.
Comment: PP3;PM3_Strong;PM2_Supporting